The following is an entry in ClinVar:

NM_144666.3(DNHD1):c.5101G>A (p.Ala1701Thr)

Gene: DNHD1 (dynein heavy chain domain 1; plus strand). Cytogenetic location: 11p15.4.
Variant type: single nucleotide variant.
Coding change: c.5101G>A on transcript NM_144666.3 (MANE Select); coding-DNA position 5101, G replaced by A.
Protein change: p.Ala1701Thr; replaces alanine 1701 with threonine.
Molecular consequence: missense variant.
Genome position (GRCh38, 1-based): chr11:6,546,040, G>A. VCF-style: chr11-6546040-G-A. GRCh37 (hg19) VCF-style: chr11-6567270-G-A.
Other names: short protein forms A1701T.
Identifiers: ClinVar variation 3905860 (VCV003905860.10).

ClinVar aggregate classification (germline): Uncertain significance (1 of 4 stars; one submission).

gnomAD v4.1: 1 of 1,551,424 alleles (0.000064%); highest among the groups gnomAD compares: Non-Finnish European, 0.000087%; no homozygotes.

Submission:

CeGaT Center for Human Genetics Tuebingen
Classification: Uncertain significance. Last evaluated: 2025-05-01. Review status: criteria provided, single submitter. Criteria: CeGaT Center For Human Genetics Tuebingen Variant Classification Criteria Version 2. Collection method: clinical testing. Allele origin: germline. Affected: yes. Observed: 1 variant allele.
Comment: DNHD1: PM2, PP2, BP4